The following is an entry in ClinVar:

ClinVar aggregate classification (germline): Likely pathogenic (1 of 4 stars; one submission).

Conditions:
Early-infantile DEE. Also called: Early infantile epileptic encephalopathy; Ohtahara syndrome; Early infantile epileptic encephalopathy with suppression bursts. Identifiers: Orphanet 1934, MedGen C0393706, MONDO:0800491.

Submission:

Labcorp Genetics (formerly Invitae), Labcorp
Classification: Likely pathogenic for Early-infantile DEE. Last evaluated: 2023-01-22. Review status: criteria provided, single submitter. Criteria: Invitae Variant Classification Sherloc (09022015). Collection method: clinical testing. Allele origin: germline.
Comment: This variant is not present in population databases (gnomAD no frequency). In summary, the currently available evidence indicates that the variant is pathogenic, but additional data are needed to prove that conclusively. Therefore, this variant has been classified as Likely Pathogenic. This variant disrupts the p.Lys758 amino acid residue in SCN1A. Other variant(s) that disrupt this residue have been determined to be pathogenic (Invitae). This suggests that this residue is clinically significant, and that variants that disrupt this residue are likely to be disease-causing. Advanced modeling of protein sequence and biophysical properties (such as structural, functional, and spatial information, amino acid conservation, physicochemical variation, residue mobility, and thermodynamic stability) performed at Invitae indicates that this missense variant is expected to disrupt SCN1A protein function. This variant has not been reported in the literature in individuals affected with SCN1A-related conditions. This sequence change replaces lysine, which is basic and polar, with threonine, which is neutral and polar, at codon 758 of the SCN1A protein (p.Lys758Thr).

NM_001165963.4(SCN1A):c.2273A>C (p.Lys758Thr)

Gene: SCN1A (sodium voltage-gated channel alpha subunit 1; minus strand). Cytogenetic location: 2q24.3.
Variant type: single nucleotide variant.
Coding change: c.2273A>C on transcript NM_001165963.4 (MANE Select); coding-DNA position 2273, A replaced by C.
Protein change: p.Lys758Thr; replaces lysine 758 with threonine.
Molecular consequence: missense variant. On other transcripts: 5 prime UTR variant (1), non-coding transcript variant (1).
Genome position (GRCh38, 1-based): chr2:166,041,373, T>G on the plus strand (A>C on the coding strand, the complement: SCN1A is on the minus strand). VCF-style: chr2-166041373-T-G. GRCh37 (hg19) VCF-style: chr2-166897883-T-G.
Other names: c.2189A>C, p.Lys730Thr (NM_001165964.3, NM_001353957.2, NM_001353958.2); c.2273A>C, p.Lys758Thr (NM_001202435.3, NM_001353948.2); c.2240A>C, p.Lys747Thr (NM_001353949.2, NM_001353950.2, NM_001353951.2 and 2 more transcripts); c.2237A>C, p.Lys746Thr (NM_001353954.2, NM_001353955.2); c.2186A>C, p.Lys729Thr (NM_001353960.2); c.-186A>C (NM_001353961.2); short protein forms K729T, K746T, K758T, K730T, K747T.
Identifiers: ClinVar variation 2018376 (VCV002018376.4), dbSNP rs2468131676, ClinGen allele CA349064640.